The following is an entry in ClinVar:

ClinVar aggregate classification (germline): Likely pathogenic (1 of 4 stars; one submission).

Conditions:
Arrhythmogenic right ventricular dysplasia 9 (ARVD9). Also called: Arrhythmogenic Right Ventricular Dysplasia/Cardiomyopathy 9; ARRHYTHMOGENIC RIGHT VENTRICULAR DYSPLASIA, FAMILIAL, 9. Identifiers: MedGen C1836906, MONDO:0012180, OMIM 609040.

Submission:

Juno Genomics, Hangzhou Juno Genomics, Inc
Classification: Likely pathogenic for Arrhythmogenic right ventricular dysplasia 9. Review status: criteria provided, single submitter. Criteria: ACMG Guidelines, 2015. Collection method: clinical testing. Allele origin: germline.
Comment: Absent from controls (or at extremely low frequency if recessive) in Genome Aggregation Database.;Null variant in a gene where loss of function (LOF) is a known mechanism of disease.

NM_001005242.3(PKP2):c.193dup (p.Ala65fs)

Gene: PKP2 (plakophilin 2; minus strand). Cytogenetic location: 12p11.21.
Variant type: Duplication.
Coding change: c.193dup on transcript NM_001005242.3 (MANE Select); coding-DNA position 193, one base duplicated (G; older notation c.193dupG).
Protein change: p.Ala65fs; shifts the reading frame from alanine 65.
Molecular consequence: frameshift variant. On other transcripts: 5 prime UTR variant (4).
Genome position (GRCh38, 1-based): chr12:32,896,539, C duplicated on the plus strand (G on the coding strand, the reverse complement: PKP2 is on the minus strand). VCF-style (leftmost placement, unchanged base first): chr12-32896538-G-GC. GRCh37 (hg19) VCF-style: chr12-33049472-G-GC.
Other names: c.193dup, p.Ala65fs (NM_001407155.1, NM_001407156.1, NM_001407157.1 and 2 more transcripts); c.-634dup (NM_001407158.1, NM_001407162.1); c.-398dup (NM_001407159.1, NM_001407160.1); short protein forms A65fs.
Identifiers: ClinVar variation 4531276 (VCV004531276.2).
Genomic context (GRCh38, chr12:32,896,538, plus strand): 5'-GCGGCGCCGGGGAGCGGCGGGCTCCACTCACCGTTGCCCACGGAGCTGCGGCCCTTCCGG[G>GC]CGAGGGTCTGCTGCACCTGCTCCTGGATCCGCAGGCTCTTGACTGTCTGGCCGCCGCGGC-3'